The following is an entry in ClinVar:

ClinVar aggregate classification (germline): Likely benign. Review status: criteria provided, single submitter (1 of 4 stars). 2 submissions from 2 submitters: Likely benign (1). 1 of the submissions does not count toward it. Last evaluated 2025-08-04.

Conditions:
ATP5F1D-related disorder. Also called: ATP5F1D-related condition.

Submissions (2):

Labcorp Genetics (formerly Invitae), Labcorp
Classification: Likely benign. Last evaluated: 2025-08-04. Review status: criteria provided, single submitter. Criteria: Invitae Variant Classification Sherloc (09022015). Collection method: clinical testing. Allele origin: germline.

PreventionGenetics, part of Exact Sciences
Classification: Likely benign for ATP5F1D-related condition. Last evaluated: 2019-03-28. Review status: no assertion criteria provided. Collection method: clinical testing. Allele origin: germline. Not counted in ClinVar's aggregate classification.
Comment: This variant is classified as likely benign based on ACMG/AMP sequence variant interpretation guidelines (Richards et al. 2015 PMID: 25741868, with internal and published modifications).

NM_001687.5(ATP5F1D):c.385-8C>T

Gene: ATP5F1D (ATP synthase F1 subunit delta; plus strand). Cytogenetic location: 19p13.3.
Variant type: single nucleotide variant.
Coding change: c.385-8C>T on transcript NM_001687.5 (MANE Select); 8 bases into the intron before coding-DNA position 385, C replaced by T.
Molecular consequence: intron variant.
Genome position (GRCh38, 1-based): chr19:1,244,307, C>T. VCF-style: chr19-1244307-C-T. GRCh37 (hg19) VCF-style: chr19-1244306-C-T.
Other names: c.385-8C>T (NM_001001975.2).
Identifiers: ClinVar variation 3047697 (VCV003047697.4), dbSNP rs2512990982, ClinGen allele CA2740091838.